The following is an entry in ClinVar:

ClinVar aggregate classification (germline): Uncertain significance (1 of 4 stars; one submission).

Conditions:
Neurodevelopmental disorder with or without seizures and gait abnormalities. Identifiers: MedGen C4693391, MONDO:0060641, OMIM 617864.

Submission:

Neuberg Centre For Genomic Medicine, NCGM
Classification: Uncertain significance for Neurodevelopmental disorder with or without seizures and gait abnormalities. Review status: criteria provided, single submitter. Criteria: ACMG Guidelines, 2015. Collection method: clinical testing. Allele origin: germline. Inheritance: Autosomal dominant inheritance. Affected: yes.
Comment: The missense c.1259C>A (p.Thr420Asn) variant in the GRIA4 gene has not been reported previously as a pathogenic variant nor as a benign variant, to our knowledge. The variant is absent in gnomAD Exomes. The amino acid Threonine at position 420 is changed to a Asparagine changing protein sequence and it might alter its composition and physico-chemical properties. Multiple lines of computational evidence (Polyphen – Damaging, SIFT – Damaging and MutationTaster - Disease causing) predict a damaging effect on protein structure and function for this variant. The amino acid change p.Thr420Asn in GRIA4 is predicted as conserved by GERP++ and PhyloP across 100 vertebrates. For these reasons, this variant has been classified as Uncertain Significance.

NM_000829.4(GRIA4):c.1259C>A (p.Thr420Asn)

Gene: GRIA4 (glutamate ionotropic receptor AMPA type subunit 4; plus strand). Cytogenetic location: 11q22.3.
Variant type: single nucleotide variant.
Coding change: c.1259C>A on transcript NM_000829.4 (MANE Select); coding-DNA position 1259, C replaced by A.
Protein change: p.Thr420Asn; replaces threonine 420 with asparagine.
Molecular consequence: missense variant. On other transcripts: non-coding transcript variant (1).
Genome position (GRCh38, 1-based): chr11:105,910,535, C>A. VCF-style: chr11-105910535-C-A. GRCh37 (hg19) VCF-style: chr11-105781261-C-A.
Other names: c.1259C>A, p.Thr420Asn (NM_001077243.3, NM_001077244.2, NM_001112812.2); short protein forms T420N.
Identifiers: ClinVar variation 3242145 (VCV003242145.1), dbSNP rs2497853411.